The following is an entry in ClinVar:

ClinVar aggregate classification (germline): Uncertain significance. Review status: criteria provided, multiple submitters, no conflicts (2 of 4 stars). 2 submissions from 2 submitters: Uncertain significance (2). Last evaluated 2024-05-14.

Conditions:
Cardiovascular phenotype. Identifiers: MedGen CN230736.
Arrhythmogenic right ventricular cardiomyopathy (ARVD). Also called: Cardiomyopathy, ARVC; Arrhythmogenic right ventricular dysplasia; Arrhythmogenic cardiomyopathy; Arrhythmogenic Right Ventricular Cardiomyopathy (ARVC). Identifiers: Orphanet 247, MedGen C0349788, MeSH D019571, MONDO:0016587. Disease mechanism: loss of function. Inheritance: Various modes of inheritance.

Allele frequency attached by ClinVar (database versions not stated): gnomAD exomes below 0.00001.
gnomAD v4.1: 7 of 1,613,578 alleles (0.00043%); highest among the groups gnomAD compares: Non-Finnish European, 0.00051%; no homozygotes.

Submissions (2):

All of Us Research Program, National Institutes of Health
Classification: Uncertain significance for Arrhythmogenic right ventricular cardiomyopathy. Last evaluated: 2024-05-14. Review status: criteria provided, single submitter. Criteria: ACMG Guidelines, 2015. Collection method: clinical testing. Allele origin: germline. Inheritance: Autosomal dominant inheritance. Observed: 1 variant allele, 1 heterozygote.
Comment: This missense variant replaces phenylalanine with isoleucine at codon 124 of the DSG2 protein. Computational prediction suggests that this variant may not impact protein structure and function (internally defined REVEL score threshold <= 0.5, PMID: 27666373). To our knowledge, functional studies have not been reported for this variant. This variant has not been reported in individuals affected with cardiovascular disorders in the literature. This variant has not been identified in the general population by the Genome Aggregation Database (gnomAD). The available evidence is insufficient to determine the role of this variant in disease conclusively. Therefore, this variant is classified as a Variant of Uncertain Significance.

This study involves interpretation of variants in research participants for the purpose of population health screening. Participant phenotype was not available at the time of variant classification. Additional details can be found in publication PMID: 35346344, PMCID: PMC8962531

Ambry Genetics
Classification: Uncertain significance for Cardiovascular phenotype. Last evaluated: 2019-01-24. Review status: criteria provided, single submitter. Criteria: Ambry Variant Classification Scheme 2023. Collection method: clinical testing. Allele origin: germline.
Comment: The p.F124I variant (also known as c.370T>A), located in coding exon 4 of the DSG2 gene, results from a T to A substitution at nucleotide position 370. The phenylalanine at codon 124 is replaced by isoleucine, an amino acid with highly similar properties. This amino acid position is poorly conserved in available vertebrate species, and isoleucine is the reference amino acid in other vertebrate species. In addition, this alteration is predicted to be tolerated by in silico analysis. Since supporting evidence is limited at this time, the clinical significance of this alteration remains unclear.

NM_001943.5(DSG2):c.370T>A (p.Phe124Ile)

Gene: DSG2 (desmoglein 2; plus strand). Cytogenetic location: 18q12.1.
Variant type: single nucleotide variant.
Coding change: c.370T>A on transcript NM_001943.5 (MANE Select); coding-DNA position 370, T replaced by A.
Protein change: p.Phe124Ile; replaces phenylalanine 124 with isoleucine.
Molecular consequence: missense variant.
Genome position (GRCh38, 1-based): chr18:31,520,956, T>A. VCF-style: chr18-31520956-T-A. GRCh37 (hg19) VCF-style: chr18-29100919-T-A.
Other names: short protein forms F124I.
Identifiers: ClinVar variation 1734192 (VCV001734192.3), dbSNP rs2510910890, ClinGen allele CA402131691.